The following is an entry in ClinVar:

NM_001127392.3(MYRF):c.135-119_1062del

Gene: MYRF (myelin regulatory factor; plus strand). Cytogenetic location: 11q12.2.
Variant type: Deletion.
Coding change: c.135-119_1062del on transcript NM_001127392.3 (MANE Select); 119 bases into the intron before coding-DNA position 135 through coding-DNA position 1062, 6,061 bases deleted.
Molecular consequence: splice acceptor variant, splice donor variant.
Genome position (GRCh38, 1-based): chr11:61,765,839-61,771,899, 6,061 bases deleted. GRCh37 (hg19): chr11:61,533,311-61,539,371.
Other names: c.108-119_1035del (NM_013279.4).
Identifiers: ClinVar variation 3235908 (VCV003235908.1), ClinGen allele CA2825002025.

ClinVar aggregate classification (germline): Pathogenic (1 of 4 stars; one submission).

Conditions:
Cardiac-urogenital syndrome (CUGS). Also called: MYRF-Related Cardiac Urogenital Syndrome. Identifiers: Orphanet 647811, MedGen C4748946, MONDO:0032653, OMIM 618280.

Submission:

New York Genome Center
Classification: Pathogenic for Cardiac-urogenital syndrome. Last evaluated: 2023-06-08. Review status: criteria provided, single submitter. Criteria: NYGC Assertion Criteria 2020. Collection method: clinical testing. Allele origin: de novo. Affected: yes. Observed: 1 heterozygote. Study: PrenatalSEQ.
Comment: The de novo c.135-119_1062del p.(Cys46LeufsTer50) variant identified in MYRF is a ~6KB deletion on the long arm of chromosome 11 (11q12.2). This deletion encompasses exons 3-6 of the canonical MYRF transcript as well as the N-terminal part of exon 7, plus intervening and flanking intronic sequences. This is predicted to lead to a frameshift of the protein at amino acid 46/1152 (exon 3/27) and undergo nonsense mediated decay. This variant is absent from gnomAD SVs v2.1 and the Database of Genomic Variants (DGV), suggesting it is not a common benign variant in the populations represented in those databases. This microdeletion has not previously been reported in individuals with MYRF-related disorders, but de novo missense and loss-of-function pathogenic variants have been reported downstream and in the DNA binding domain in individuals with MYRF-related disorders [PMID: 31069960], and functional studies have shown that these variants alter the transcription factor function of MYRF by haploinsufficiency (F387S, Q403H, and L479V) or dominant negative effect (G435R) [PMID: 33798553]. Based on the available evidence, the de novo heterozygous c.135-119_1062del p.(Cys46LeufsTer50) variant identified in MYRF is reported as Pathogenic.